The following is an entry in ClinVar:

NM_000057.4(BLM):c.2225del (p.Thr742fs)

Gene: BLM (BLM RecQ like helicase; plus strand). Cytogenetic location: 15q26.1.
Variant type: Deletion.
Coding change: c.2225del on transcript NM_000057.4 (MANE Select); coding-DNA position 2225, one base deleted (C; older notation c.2225delC).
Protein change: p.Thr742fs; shifts the reading frame from threonine 742.
Molecular consequence: frameshift variant.
Genome position (GRCh38, 1-based): chr15:90,766,941, C deleted. VCF-style (leftmost placement, unchanged base first): chr15-90766940-AC-A. GRCh37 (hg19) VCF-style: chr15-91310170-AC-A.
Other names: c.2225del, p.Thr742fs (NM_001287246.2, NM_001287247.2); c.1100del, p.Thr367fs (NM_001287248.2); short protein forms T742fs, T367fs.
Identifiers: ClinVar variation 2089196 (VCV002089196.4), dbSNP rs2505446827, ClinGen allele CA2580090564.

ClinVar aggregate classification (germline): Pathogenic (1 of 4 stars; one submission).

Conditions:
Bloom syndrome (BLM). Also called: Bloom-Torre-Machacek syndrome. Identifiers: Orphanet 125, MedGen C0005859, MONDO:0008876, OMIM 210900.

Submission:

Labcorp Genetics (formerly Invitae), Labcorp
Classification: Pathogenic for Bloom syndrome. Last evaluated: 2024-04-22. Review status: criteria provided, single submitter. Criteria: Invitae Variant Classification Sherloc (09022015). Collection method: clinical testing. Allele origin: germline.
Comment: This sequence change creates a premature translational stop signal (p.Thr742Metfs*19) in the BLM gene. It is expected to result in an absent or disrupted protein product. Loss-of-function variants in BLM are known to be pathogenic (PMID: 17407155). This variant is not present in population databases (gnomAD no frequency). This variant has not been reported in the literature in individuals affected with BLM-related conditions. ClinVar contains an entry for this variant (Variation ID: 2089196). For these reasons, this variant has been classified as Pathogenic.

Literature cited by the submitters: PubMed 17407155.